The following is an entry in ClinVar:

NM_000810.4(GABRA5):c.207A>G (p.Gly69=)

Gene: GABRA5 (gamma-aminobutyric acid type A receptor subunit alpha5; plus strand). Cytogenetic location: 15q12.
Variant type: single nucleotide variant.
Coding change: c.207A>G on transcript NM_000810.4 (MANE Select); coding-DNA position 207, A replaced by G.
Protein change: p.Gly69=; no amino-acid change (glycine 69 retained).
Molecular consequence: synonymous variant.
Genome position (GRCh38, 1-based): chr15:26,880,966, A>G. VCF-style: chr15-26880966-A-G. GRCh37 (hg19) VCF-style: chr15-27126113-A-G.
Other names: c.207A>G, p.Gly69= (NM_001165037.2).
Identifiers: ClinVar variation 4874581 (VCV004874581.2).

ClinVar aggregate classification (germline): Likely benign (1 of 4 stars; one submission).

gnomAD v4.1: 1 of 1,613,562 alleles (0.000062%); highest among the groups gnomAD compares: Non-Finnish European, 0.000085%; no homozygotes.

Submission:

CeGaT Center for Human Genetics Tuebingen
Classification: Likely benign. Last evaluated: 2026-04-01. Review status: criteria provided, single submitter. Criteria: CeGaT Center For Human Genetics Tuebingen Variant Classification Criteria Version 2. Collection method: clinical testing. Allele origin: germline. Affected: yes. Observed: 1 variant allele.
Comment: GABRA5: BP4, BP7